The following is an entry in ClinVar:

NM_201253.3(CRB1):c.3320T>C (p.Leu1107Pro)

Gene: CRB1 (crumbs cell polarity complex component 1; plus strand). Cytogenetic location: 1q31.3.
Variant type: single nucleotide variant.
Coding change: c.3320T>C on transcript NM_201253.3 (MANE Select); coding-DNA position 3320, T replaced by C.
Protein change: p.Leu1107Pro; replaces leucine 1107 with proline.
Molecular consequence: missense variant. On other transcripts: non-coding transcript variant (2), intron variant (1).
Genome position (GRCh38, 1-based): chr1:197,435,183, T>C. VCF-style: chr1-197435183-T-C. GRCh37 (hg19) VCF-style: chr1-197404313-T-C.
Other names: c.2984T>C, p.Leu995Pro (NM_001193640.2); c.3248T>C, p.Leu1083Pro (NM_001257965.2); c.2129-417T>C (NM_001257966.2); short protein forms L1107P, L1083P, L995P.
Identifiers: ClinVar variation 99897 (VCV000099897.17), dbSNP rs62636276, ClinGen allele CA228036.

ClinVar aggregate classification (germline): Pathogenic/Likely pathogenic. Review status: criteria provided, multiple submitters, no conflicts (2 of 4 stars). 10 submissions from 8 submitters: Pathogenic (4); Likely pathogenic (4). 2 of the submissions do not count toward it. Last evaluated 2025-10-23.

Conditions:
Retinitis pigmentosa 12 (RP12). Also called: RP WITH OR WITHOUT PRESERVED PARAARTERIOLE RETINAL PIGMENT EPITHELIUM; RETINITIS PIGMENTOSA WITH OR WITHOUT PARAARTERIOLAR PRESERVATION OF RETINAL PIGMENT EPITHELIUM; RP WITH OR WITHOUT PPRPE. Identifiers: Orphanet 791, MedGen C1838647, MONDO:0010818, OMIM 600105.
Leber congenital amaurosis 8 (LCA8). Identifiers: Orphanet 65, MedGen C3151202, MONDO:0013453, OMIM 613835.
Pigmented paravenous retinochoroidal atrophy. Identifiers: Orphanet 251295, MedGen C1868310, MONDO:0008246, OMIM 172870.
Leber congenital amaurosis (LCA). Also called: Leber's amaurosis. Identifiers: Orphanet 65, MedGen C0339527, MeSH D057130, MONDO:0018998.
CRB1-related disorder. Also called: CRB1-related disorders; CRB1-related condition.

Allele frequency attached by ClinVar (database versions not stated): gnomAD exomes below 0.00001 and 0.00001; gnomAD 0.00001; TOPMed 0.00001.
gnomAD v4.1: 21 of 1,613,826 alleles (0.0013%); highest among the groups gnomAD compares: Non-Finnish European, 0.0017%; no homozygotes.

Submissions (10):

Labcorp Genetics (formerly Invitae), Labcorp
Classification: Pathogenic for Leber congenital amaurosis 8; Retinitis pigmentosa 12. Last evaluated: 2025-10-23. Review status: criteria provided, single submitter. Criteria: Invitae Variant Classification Sherloc (09022015). Collection method: clinical testing. Allele origin: germline.
Comment: This sequence change replaces leucine, which is neutral and non-polar, with proline, which is neutral and non-polar, at codon 1107 of the CRB1 protein (p.Leu1107Pro). This variant is present in population databases (rs62636276, gnomAD 0.0009%). This missense change has been observed in individual(s) with CRB1-related conditions (PMID: 15024725, 20956273, 34884448). In at least one individual the data is consistent with being in trans (on the opposite chromosome) from a pathogenic variant. ClinVar contains an entry for this variant (Variation ID: 99897). Invitae Evidence Modeling of protein sequence and biophysical properties (such as structural, functional, and spatial information, amino acid conservation, physicochemical variation, residue mobility, and thermodynamic stability) indicates that this missense variant is expected to disrupt CRB1 protein function with a positive predictive value of 95%. This variant disrupts the p.Leu1107 amino acid residue in CRB1. Other variant(s) that disrupt this residue have been determined to be pathogenic (PMID: 28819299; internal data). This suggests that this residue is clinically significant, and that variants that disrupt this residue are likely to be disease-causing. For these reasons, this variant has been classified as Pathogenic.

Natera, Inc.
Classification: Pathogenic for Leber congenital amaurosis. Last evaluated: 2024-10-16. Review status: criteria provided, single submitter. Criteria: Natera Variant Classification Schema (03/2026). Collection method: clinical testing. Allele origin: germline.
Comment: The c.3320T>C variant in CRB1 is a missense variant predicted to cause substitution of leucine to proline at amino acid 1107. This variant is rare in the general population with a frequency below the threshold expected for the associated phenotype(s). This variant has been observed in one or more individuals affected with the associated recessive disease, as either homozygous or compound heterozygous with a second variant (PMID: 20956273, 15024725). Additionally, this variant has been observed to segregate in affected family members (PMID: 15024725). A different variant at the same position has been determined to be Pathogenic or Likely Pathogenic. Computational prediction algorithms indicate this variant is likely to affect gene or protein function. Given the available evidence, this variant is classified as Pathogenic.

Blueprint Genetics
Classification: Pathogenic for CRB1-related disorders. Last evaluated: 2024-09-11. Review status: criteria provided, single submitter. Criteria: ACMG Guidelines, 2015. Collection method: clinical testing. Allele origin: germline. Affected: yes. Observed: 4 variant alleles.

Fulgent Genetics
Classification: Likely pathogenic for Pigmented paravenous retinochoroidal atrophy; Retinitis pigmentosa 12; Leber congenital amaurosis 8. Last evaluated: 2024-05-20. Review status: criteria provided, single submitter. Criteria: ACMG Guidelines, 2015. Collection method: clinical testing. Allele origin: germline.

Genome-Nilou Lab
Classification: Likely pathogenic for Leber congenital amaurosis 8. Last evaluated: 2023-04-11. Review status: criteria provided, single submitter. Criteria: ACMG Guidelines, 2015. Collection method: clinical testing. Allele origin: germline. Affected: no.

Genome-Nilou Lab
Classification: Likely pathogenic for Pigmented paravenous retinochoroidal atrophy. Last evaluated: 2023-04-11. Review status: criteria provided, single submitter. Criteria: ACMG Guidelines, 2015. Collection method: clinical testing. Allele origin: germline. Affected: no.

Genome-Nilou Lab
Classification: Likely pathogenic for Retinitis pigmentosa 12. Last evaluated: 2023-04-11. Review status: criteria provided, single submitter. Criteria: ACMG Guidelines, 2015. Collection method: clinical testing. Allele origin: germline. Affected: no.

Baylor Genetics
Classification: Pathogenic for Leber congenital amaurosis 8. Last evaluated: 2023-02-21. Review status: criteria provided, single submitter. Criteria: ACMG Guidelines, 2015. Collection method: clinical testing. Allele origin: unknown.

Laboratory of Genetics in Ophthalmology, Institut Imagine
Classification: Likely pathogenic for Leber congenital amaurosis 8. Review status: no assertion criteria provided. Collection method: research. Allele origin: inherited. Affected: yes. Observed: 5 variant alleles. Not counted in ClinVar's aggregate classification.

Retina International
No classification provided. Review status: no classification provided. Collection method: not provided. Allele origin: not provided. Not counted in ClinVar's aggregate classification.

Literature cited by the submitters: PubMed 15024725 (cited by 3 submitters); PubMed 20956273 (cited by Labcorp Genetics (formerly Invitae), Labcorp and Natera, Inc.); PubMed 34884448 (cited by Labcorp Genetics (formerly Invitae), Labcorp); PubMed 28819299 (cited by Labcorp Genetics (formerly Invitae), Labcorp).